The following is an entry in ClinVar:

NM_024072.4(DDX54):c.2078G>A (p.Arg693Gln)

Gene: DDX54 (DEAD-box helicase 54; minus strand). Cytogenetic location: 12q24.13.
Variant type: single nucleotide variant.
Coding change: c.2078G>A on transcript NM_024072.4 (MANE Select); coding-DNA position 2078, G replaced by A.
Protein change: p.Arg693Gln; replaces arginine 693 with glutamine.
Molecular consequence: missense variant.
Genome position (GRCh38, 1-based): chr12:113,163,135, C>T on the plus strand (G>A on the coding strand, the complement: DDX54 is on the minus strand). VCF-style: chr12-113163135-C-T. GRCh37 (hg19) VCF-style: chr12-113600940-C-T.
Other names: c.2078G>A, p.Arg693Gln (NM_001111322.2); short protein forms R693Q.
Identifiers: ClinVar variation 3055575 (VCV003055575.2), dbSNP rs11564, ClinGen allele CA6803423.

ClinVar aggregate classification (germline): Benign (0 of 4 stars; one submission).

Conditions:
DDX54-related disorder. Also called: DDX54-related condition.

Allele frequency attached by ClinVar (database versions not stated): 1000 Genomes Project 0.03095; 1000 Genomes Project 30x 0.03170; ESP Exome Variant Server 0.04736; TOPMed 0.04874; ExAC 0.05060; gnomAD 0.05360.

Submission:

PreventionGenetics, part of Exact Sciences
Classification: Benign for DDX54-related condition. Last evaluated: 2019-11-11. Review status: no assertion criteria provided. Collection method: clinical testing. Allele origin: germline.
Comment: This variant is classified as benign based on ACMG/AMP sequence variant interpretation guidelines (Richards et al. 2015 PMID: 25741868, with internal and published modifications).